The following is an entry in ClinVar:

ClinVar aggregate classification (germline): Likely benign (0 of 4 stars; one submission).

Conditions:
DISP3-related disorder. Also called: DISP3-related condition.

Allele frequency attached by ClinVar (database versions not stated): TOPMed 0.00167; gnomAD 0.00172; ESP Exome Variant Server 0.00217; 1000 Genomes Project 30x 0.00219; 1000 Genomes Project 0.00260; gnomAD exomes 0.00318; ExAC 0.00384.
gnomAD v4.1: 4,846 of 1,593,398 alleles (0.3%); highest among the groups gnomAD compares: Middle Eastern, 0.63%; 11 homozygotes.

Submission:

PreventionGenetics, part of Exact Sciences
Classification: Likely benign for DISP3-related condition. Last evaluated: 2019-02-20. Review status: no assertion criteria provided. Collection method: clinical testing. Allele origin: germline.
Comment: This variant is classified as likely benign based on ACMG/AMP sequence variant interpretation guidelines (Richards et al. 2015 PMID: 25741868, with internal and published modifications).

NM_020780.2(DISP3):c.3555C>T (p.Cys1185=)

Gene: DISP3 (dispatched RND transporter family member 3; plus strand). Cytogenetic location: 1p36.22.
Variant type: single nucleotide variant.
Coding change: c.3555C>T on transcript NM_020780.2 (MANE Select); coding-DNA position 3555, C replaced by T.
Protein change: p.Cys1185=; no amino-acid change (cysteine 1185 retained).
Molecular consequence: synonymous variant.
Genome position (GRCh38, 1-based): chr1:11,535,030, C>T. VCF-style: chr1-11535030-C-T. GRCh37 (hg19) VCF-style: chr1-11595087-C-T.
Identifiers: ClinVar variation 3034088 (VCV003034088.2), dbSNP rs41274536, ClinGen allele CA592458.